The following is an entry in ClinVar:

ClinVar aggregate classification (germline): Likely benign. Review status: criteria provided, multiple submitters, no conflicts (2 of 4 stars). 2 submissions from 2 submitters: Likely benign (2). Last evaluated 2025-08-18.

Allele frequency attached by ClinVar (database versions not stated): gnomAD 0.00003; ExAC 0.00004; TOPMed 0.00005; ESP Exome Variant Server 0.00008; gnomAD exomes 0.00008.
gnomAD v4.1: 118 of 1,613,942 alleles (0.0073%); highest among the groups gnomAD compares: Non-Finnish European, 0.0092%; no homozygotes.

Submissions (2):

Mayo Clinic Laboratories, Mayo Clinic
Classification: Likely benign. Last evaluated: 2025-08-18. Review status: criteria provided, single submitter. Criteria: ACMG Guidelines, 2015. Collection method: clinical testing. Allele origin: germline. Observed: 1 variant allele.
Comment: BS2, BP4, BP7

Labcorp Genetics (formerly Invitae), Labcorp
Classification: Likely benign. Last evaluated: 2024-10-22. Review status: criteria provided, single submitter. Criteria: Invitae Variant Classification Sherloc (09022015). Collection method: clinical testing. Allele origin: germline.

NM_015215.4(CAMTA1):c.1155G>A (p.Ala385=)

Gene: CAMTA1 (calmodulin binding transcription activator 1; plus strand). Cytogenetic location: 1p36.23.
Variant type: single nucleotide variant.
Coding change: c.1155G>A on transcript NM_015215.4 (MANE Select); coding-DNA position 1155, G replaced by A.
Protein change: p.Ala385=; no amino-acid change (alanine 385 retained).
Molecular consequence: synonymous variant.
Genome position (GRCh38, 1-based): chr1:7,663,702, G>A. VCF-style: chr1-7663702-G-A. GRCh37 (hg19) VCF-style: chr1-7723762-G-A.
Other names: p.Ala385=; c.1065G>A, p.Ala355= (NM_001349608.2, NM_001349612.2); c.1155G>A, p.Ala385= (NM_001349609.2, NM_001349610.2, NM_001410737.1); c.1083G>A, p.Ala361= (NM_001410738.1).
Identifiers: ClinVar variation 2888483 (VCV002888483.4), dbSNP rs371856667, ClinGen allele CA566382.